The following is an entry in ClinVar:

ClinVar aggregate classification (germline): Uncertain significance (1 of 4 stars; one submission).

Submission:

GeneDx
Classification: Uncertain significance. Last evaluated: 2024-10-08. Review status: criteria provided, single submitter. Criteria: GeneDx Variant Classification Process June 2021. Collection method: clinical testing. Allele origin: germline. Affected: yes.
Comment: Not observed at significant frequency in large population cohorts (gnomAD); In silico analysis supports that this missense variant has a deleterious effect on protein structure/function; Has not been previously published as pathogenic or benign to our knowledge

NM_025216.3(WNT10A):c.823A>G (p.Thr275Ala)

Gene: WNT10A (Wnt family member 10A; plus strand). Cytogenetic location: 2q35.
Variant type: single nucleotide variant.
Coding change: c.823A>G on transcript NM_025216.3 (MANE Select); coding-DNA position 823, A replaced by G.
Protein change: p.Thr275Ala; replaces threonine 275 with alanine.
Molecular consequence: missense variant.
Genome position (GRCh38, 1-based): chr2:218,892,840, A>G. VCF-style: chr2-218892840-A-G. GRCh37 (hg19) VCF-style: chr2-219757562-A-G.
Other names: short protein forms T275A.
Identifiers: ClinVar variation 3777515 (VCV003777515.1).